The following is an entry in ClinVar:

NM_000222.3(KIT):c.2354C>T (p.Ser785Phe)

Gene: KIT (KIT proto-oncogene, receptor tyrosine kinase; plus strand). Cytogenetic location: 4q12.
Variant type: single nucleotide variant.
Coding change: c.2354C>T on transcript NM_000222.3 (MANE Select); coding-DNA position 2354, C replaced by T.
Protein change: p.Ser785Phe; replaces serine 785 with phenylalanine.
Molecular consequence: missense variant.
Genome position (GRCh38, 1-based): chr4:54,731,991, C>T. VCF-style: chr4-54731991-C-T. GRCh37 (hg19) VCF-style: chr4-55598157-C-T.
Other names: c.2342C>T, p.Ser781Phe (NM_001093772.2, NM_001385292.1); c.2357C>T, p.Ser786Phe (NM_001385284.1); c.2351C>T, p.Ser784Phe (NM_001385285.1); c.2339C>T, p.Ser780Phe (NM_001385286.1); c.2345C>T, p.Ser782Phe (NM_001385288.1); c.2354C>T, p.Ser785Phe (NM_001385290.1); short protein forms S781F, S785F, S780F, S782F, S784F, S786F.
Identifiers: ClinVar variation 935094 (VCV000935094.1), dbSNP rs1722629110, ClinGen allele CA356911165.

ClinVar aggregate classification (germline): Uncertain significance (1 of 4 stars; one submission).

Conditions:
Gastrointestinal stromal tumor. Also called: Gastrointestinal stromal tumor, somatic; Gastrointestinal stroma tumor. Identifiers: Orphanet 44890, MedGen C0238198, MeSH D046152, MONDO:0011719, OMIM 606764, HP:0100723.

Submission:

Labcorp Genetics (formerly Invitae), Labcorp
Classification: Uncertain significance for Gastrointestinal stromal tumor. Last evaluated: 2019-10-03. Review status: criteria provided, single submitter. Criteria: Invitae Variant Classification Sherloc (09022015). Collection method: clinical testing. Allele origin: germline.
Comment: This sequence change replaces serine with phenylalanine at codon 785 of the KIT protein (p.Ser785Phe). The serine residue is highly conserved and there is a large physicochemical difference between serine and phenylalanine. This variant is not present in population databases (ExAC no frequency). This variant has not been reported in the literature in individuals with KIT-related conditions. Algorithms developed to predict the effect of missense changes on protein structure and function (SIFT, PolyPhen-2, Align-GVGD) all suggest that this variant is likely to be disruptive, but these predictions have not been confirmed by published functional studies and their clinical significance is uncertain. In summary, the available evidence is currently insufficient to determine the role of this variant in disease. Therefore, it has been classified as a Variant of Uncertain Significance.